The following is an entry in ClinVar:

ClinVar aggregate classification (germline): Likely benign (0 of 4 stars; one submission).

Conditions:
ABCC2-related disorder. Also called: ABCC2-related condition.

Submission:

PreventionGenetics, part of Exact Sciences
Classification: Likely benign for ABCC2-related condition. Last evaluated: 2023-03-09. Review status: no assertion criteria provided. Collection method: clinical testing. Allele origin: germline.
Comment: This variant is classified as likely benign based on ACMG/AMP sequence variant interpretation guidelines (Richards et al. 2015 PMID: 25741868, with internal and published modifications).

NM_000392.5(ABCC2):c.3103+8T>A

Gene: ABCC2 (ATP binding cassette subfamily C member 2; plus strand). Cytogenetic location: 10q24.2.
Variant type: single nucleotide variant.
Coding change: c.3103+8T>A on transcript NM_000392.5 (MANE Select); 8 bases into the intron after coding-DNA position 3103, T replaced by A.
Molecular consequence: intron variant.
Genome position (GRCh38, 1-based): chr10:99,831,838, T>A. VCF-style: chr10-99831838-T-A. GRCh37 (hg19) VCF-style: chr10-101591595-T-A.
Identifiers: ClinVar variation 3029169 (VCV003029169.2), dbSNP rs1294752310, ClinGen allele CA595642461.